The following is an entry in ClinVar:

ClinVar aggregate classification (germline): Uncertain significance (1 of 4 stars; one submission).

Conditions:
Neuroblastoma, susceptibility to, 3. Also called: ALK-Related Neuroblastic Tumor Susceptibility. Identifiers: Orphanet 635, MedGen C2751681, MONDO:0013083, OMIM 613014.

Submission:

Labcorp Genetics (formerly Invitae), Labcorp
Classification: Uncertain significance for Neuroblastoma, susceptibility to, 3. Last evaluated: 2021-06-15. Review status: criteria provided, single submitter. Criteria: Invitae Variant Classification Sherloc (09022015). Collection method: clinical testing. Allele origin: germline.
Comment: This sequence change replaces leucine with glutamine at codon 437 of the ALK protein (p.Leu437Gln). The leucine residue is moderately conserved and there is a moderate physicochemical difference between leucine and glutamine. In summary, the available evidence is currently insufficient to determine the role of this variant in disease. Therefore, it has been classified as a Variant of Uncertain Significance. Algorithms developed to predict the effect of missense changes on protein structure and function are either unavailable or do not agree on the potential impact of this missense change (SIFT: "Not Available"; PolyPhen-2: "Probably Damaging"; Align-GVGD: "Not Available"). This variant has not been reported in the literature in individuals with ALK-related conditions. The frequency data for this variant in the population databases is not available, as this variant may be reported as separate entries in the ExAC database.

NM_004304.5(ALK):c.1310_1311delinsAA (p.Leu437Gln)

Gene: ALK (ALK receptor tyrosine kinase; minus strand). Cytogenetic location: 2p23.2.
Variant type: Indel.
Coding change: c.1310_1311delinsAA on transcript NM_004304.5 (MANE Select); coding-DNA positions 1310 to 1311, TG replaced by AA.
Protein change: p.Leu437Gln; replaces leucine 437 with glutamine.
Molecular consequence: missense variant.
Genome position (GRCh38, 1-based): chr2:29,328,453-29,328,454, CA replaced by TT on the plus strand (TG replaced by AA on the coding strand, the reverse complement: ALK is on the minus strand). VCF-style: chr2-29328453-CA-TT. GRCh37 (hg19) VCF-style: chr2-29551319-CA-TT.
Other names: short protein forms L437Q.
Identifiers: ClinVar variation 1400236 (VCV001400236.6), dbSNP rs2148258390, ClinGen allele CA2573134581.